The following is an entry in ClinVar:

NM_001048174.2(MUTYH):c.818_835del (p.Pro273_Cys278del)

Gene: MUTYH (mutY DNA glycosylase; minus strand). Cytogenetic location: 1p34.1.
Variant type: Deletion.
Coding change: c.818_835del on transcript NM_001048174.2 (MANE Select); coding-DNA positions 818 to 835, 18 bases deleted (CTGTGGAGAGCCTGTGCC).
Protein change: p.Pro273_Cys278del.
Molecular consequence: inframe deletion. On other transcripts: non-coding transcript variant (7).
Genome position (GRCh38, 1-based): chr1:45,332,180-45,332,197, GGCACAGGCTCTCCACAG deleted on the plus strand (CTGTGGAGAGCCTGTGCC on the coding strand, the reverse complement: MUTYH is on the minus strand); deleting any 18 consecutive bases within chr1:45,332,180-45,332,202 gives the same sequence; the c. name uses the placement nearest the transcript's 3' end. VCF-style (leftmost placement, unchanged base first): chr1-45332179-CGGCACAGGCTCTCCACAG-C. GRCh37 (hg19) VCF-style: chr1-45797851-CGGCACAGGCTCTCCACAG-C.
Other names: c.893_910del, p.Pro298_Cys303del (NM_012222.3); c.818_835del, p.Pro273_Cys278del (NM_001048171.2, NM_001048173.2, NM_001293195.2 and 6 more transcripts); c.821_838del, p.Pro274_Cys279del (NM_001048172.2, NM_001407071.1, NM_001407078.1 and 1 more transcripts); c.902_919del, p.Pro301_Cys306del (NM_001128425.2); c.863_880del, p.Pro288_Cys293del (NM_001293190.2); c.851_868del, p.Pro284_Cys289del (NM_001293191.2, NM_001407069.1, NM_001407077.1); c.542_559del, p.Pro181_Cys186del (NM_001293192.2, NM_001293196.2, NM_001407091.1); c.473_490del, p.Pro158_Cys163del (NM_001350650.2, NM_001350651.2, NM_001407082.1); and 5 more.
Identifiers: ClinVar variation 5042150 (VCV005042150.1).

ClinVar aggregate classification (germline): Likely pathogenic (1 of 4 stars; one submission).

Conditions:
Familial adenomatous polyposis 2. Also called: COLORECTAL ADENOMATOUS POLYPOSIS, AUTOSOMAL RECESSIVE; ADENOMAS, MULTIPLE COLORECTAL, AUTOSOMAL RECESSIVE; MYH-associated polyposis; FAP type 2; MUTYH-associated polyposis; MUTYH Polyposis. Identifiers: Orphanet 220460, Orphanet 247798, MedGen C3272841, MONDO:0012041, OMIM 608456.

Submission:

Myriad Genetics, Inc.
Classification: Likely pathogenic for Familial adenomatous polyposis 2. Last evaluated: 2026-08-27. Review status: criteria provided, single submitter. Criteria: Myriad Autosomal Dominant, Autosomal Recessive and X-Linked Classification Criteria (2023). Collection method: clinical testing. Allele origin: unknown.
Comment: This variant is considered likely pathogenic. Functional studies indicate this variant impacts protein function [PMID: 40738107]. This variant is expected to disrupt protein structure [Myriad internal data].

Literature cited by the submitters: PubMed 40738107.